The following is an entry in ClinVar:

NC_000003.11:g.(?_81584336)_(81584486_?)del

Gene: GBE1 (1,4-alpha-glucan branching enzyme 1; minus strand). Cytogenetic location: 3p12.2.
Variant type: Deletion.
Identifiers: ClinVar variation 1076127 (VCV001076127.6).

ClinVar aggregate classification (germline): Pathogenic (1 of 4 stars; one submission).

Conditions:
Glycogen storage disease, type IV (GSD4). Also called: Glycogen storage disease due to glycogen branching enzyme deficiency; AMYLOPECTINOSIS; ANDERSEN DISEASE; BRANCHER DEFICIENCY; CIRRHOSIS, FAMILIAL, WITH DEPOSITION OF ABNORMAL GLYCOGEN; GBE1 DEFICIENCY. Identifiers: Orphanet 367, MedGen C0017923, MONDO:0009292, OMIM 232500.
Glycogen storage disease IV, classic hepatic. Also called: GSD IV, CLASSIC HEPATIC. Identifiers: MedGen C1856301.

Submission:

Labcorp Genetics (formerly Invitae), Labcorp
Classification: Pathogenic for Glycogen storage disease, type IV; Glycogen storage disease IV, classic hepatic. Last evaluated: 2022-08-08. Review status: criteria provided, single submitter. Criteria: Invitae Variant Classification Sherloc (09022015). Collection method: clinical testing. Allele origin: germline.
Comment: This variant has not been reported in the literature in individuals affected with GBE1-related conditions. For these reasons, this variant has been classified as Pathogenic. This variant is a gross deletion of the genomic region encompassing exon(s) 14 of the GBE1 gene. This deletion is out-of-frame, and is expected to create a premature termination codon and result in an absent or disrupted protein product. Loss-of-function variants in GBE1 are known to be pathogenic (PMID: 15452297, 20058079).

Literature cited by the submitters: PubMed 15452297; PubMed 20058079.